The following is an entry in ClinVar:

NM_000051.4(ATM):c.1685A>T (p.Asn562Ile)

Gene: ATM (ATM serine/threonine kinase; plus strand). Cytogenetic location: 11q22.3.
Variant type: single nucleotide variant.
Coding change: c.1685A>T on transcript NM_000051.4 (MANE Select); coding-DNA position 1685, A replaced by T.
Protein change: p.Asn562Ile; replaces asparagine 562 with isoleucine.
Molecular consequence: missense variant.
Genome position (GRCh38, 1-based): chr11:108,251,914, A>T. VCF-style: chr11-108251914-A-T. GRCh37 (hg19) VCF-style: chr11-108122641-A-T.
Other names: c.1685A>T, p.Asn562Ile (NM_001351834.2); short protein forms N562I.
Identifiers: ClinVar variation 819830 (VCV000819830.12), dbSNP rs368209025, ClinGen allele CA382535184.

ClinVar aggregate classification (germline): Conflicting classifications of pathogenicity. Review status: criteria provided, conflicting classifications (1 of 4 stars). 2 submissions from 2 submitters: Uncertain significance (1); Likely benign (1). Last evaluated 2025-03-28.

Conditions:
Hereditary cancer-predisposing syndrome. Also called: Hereditary Cancer Syndrome; Neoplastic Syndromes, Hereditary; Hereditary neoplastic syndrome; Tumor predisposition. Identifiers: Orphanet 140162, MedGen C0027672, MeSH D009386, MONDO:0015356.
Ataxia-telangiectasia syndrome (AT). Also called: Cerebello-oculocutaneous telangiectasia; Immunodeficiency with ataxia telangiectasia; Ataxia-telangiectasia, complementation group E; Ataxia-telangiectasia, complementation group D; AT, COMPLEMENTATION GROUP C; ATAXIA-TELANGIECTASIA, COMPLEMENTATION GROUP A. Identifiers: Orphanet 100, MedGen C0004135, MONDO:0008840, OMIM 208900.

Submissions (2):

Ambry Genetics
Classification: Likely benign for Hereditary cancer-predisposing syndrome. Last evaluated: 2025-03-28. Review status: criteria provided, single submitter. Criteria: Ambry Variant Classification Scheme 2023. Collection method: clinical testing. Allele origin: germline.

Labcorp Genetics (formerly Invitae), Labcorp
Classification: Uncertain significance for Ataxia-telangiectasia syndrome. Last evaluated: 2024-09-29. Review status: criteria provided, single submitter. Criteria: Invitae Variant Classification Sherloc (09022015). Collection method: clinical testing. Allele origin: germline.
Comment: This sequence change replaces asparagine, which is neutral and polar, with isoleucine, which is neutral and non-polar, at codon 562 of the ATM protein (p.Asn562Ile). This variant is not present in population databases (gnomAD no frequency). This variant has not been reported in the literature in individuals affected with ATM-related conditions. ClinVar contains an entry for this variant (Variation ID: 819830). An algorithm developed to predict the effect of missense changes on protein structure and function (PolyPhen-2) suggests that this variant is likely to be tolerated. In summary, the available evidence is currently insufficient to determine the role of this variant in disease. Therefore, it has been classified as a Variant of Uncertain Significance.